The following is an entry in ClinVar:

ClinVar aggregate classification (germline): Likely pathogenic (1 of 4 stars; one submission).

Conditions:
Retinitis pigmentosa 38 (RP38). Also called: ROD-CONE DYSTROPHY, CHILDHOOD-ONSET. Identifiers: Orphanet 791, MedGen C3151228, MONDO:0013469, OMIM 613862.

Submission:

Research Institute for Ophthalmology and Vision Science, Shahid Beheshti University of Medical Sciences
Classification: Likely pathogenic for Retinitis pigmentosa 38. Last evaluated: 2025-12-09. Review status: criteria provided, single submitter. Criteria: ACMG Guidelines, 2015. Collection method: research. Allele origin: inherited. Inheritance: Autosomal recessive inheritance. Affected: yes.
Comment: This variant is extremely rare in gnomAD population databases and has been identified in multiple affected individuals from a consanguineous family.

NM_006343.3(MERTK):c.841A>G (p.Lys281Glu)

Gene: MERTK (MER proto-oncogene, tyrosine kinase; plus strand). Cytogenetic location: 2q13.
Variant type: single nucleotide variant.
Coding change: c.841A>G on transcript NM_006343.3 (MANE Select); coding-DNA position 841, A replaced by G.
Protein change: p.Lys281Glu; replaces lysine 281 with glutamic acid.
Molecular consequence: missense variant.
Genome position (GRCh38, 1-based): chr2:111,965,274, A>G. VCF-style: chr2-111965274-A-G. GRCh37 (hg19) VCF-style: chr2-112722851-A-G.
Other names: short protein forms K281E.
Identifiers: ClinVar variation 4533400 (VCV004533400.1).